The following is an entry in ClinVar:

NM_001042492.3(NF1):c.1082G>C (p.Ser361Thr)

Gene: NF1 (neurofibromin 1; plus strand). Cytogenetic location: 17q11.2.
Variant type: single nucleotide variant.
Coding change: c.1082G>C on transcript NM_001042492.3 (MANE Select); coding-DNA position 1082, G replaced by C.
Protein change: p.Ser361Thr; replaces serine 361 with threonine.
Molecular consequence: missense variant.
Genome position (GRCh38, 1-based): chr17:31,201,056, G>C. VCF-style: chr17-31201056-G-C. GRCh37 (hg19) VCF-style: chr17-29528074-G-C.
Other names: c.1082G>C, p.Ser361Thr (NM_000267.4, NM_001128147.3); short protein forms S361T.
Identifiers: ClinVar variation 232969 (VCV000232969.21), dbSNP rs876660103, ClinGen allele CA10580211.

ClinVar aggregate classification (germline): Conflicting classifications of pathogenicity. Review status: criteria provided, conflicting classifications (1 of 4 stars). 9 submissions from 8 submitters: Uncertain significance (6); Benign (1); Likely benign (2). Last evaluated 2026-01-13.

Conditions:
Cardiovascular phenotype. Identifiers: MedGen CN230736.
Hereditary cancer-predisposing syndrome. Also called: Neoplastic Syndromes, Hereditary; Hereditary neoplastic syndrome; Hereditary Cancer Syndrome; Tumor predisposition. Identifiers: Orphanet 140162, MedGen C0027672, MeSH D009386, MONDO:0015356.
NF1-related disorder. Also called: NF1-related condition. Identifiers: MedGen CN379171.
Neurofibromatosis, type 1 (NF1). Also called: Peripheral type neurofibromatosis; Neurofibromatosis, type I; VON RECKLINGHAUSEN DISEASE; NEUROFIBROMATOSIS, TYPE I, SOMATIC. Identifiers: Orphanet 636, MedGen C0027831, MONDO:0018975, OMIM 162200. Disease mechanism: loss of function.

Allele frequency attached by ClinVar (database versions not stated): gnomAD exomes below 0.00001; TOPMed below 0.00001; gnomAD 0.00001.
gnomAD v4.1: 4 of 1,613,736 alleles (0.00025%); highest among the groups gnomAD compares: Admixed American, 0.005%; no homozygotes.

Submissions (9):

Labcorp Genetics (formerly Invitae), Labcorp
Classification: Benign for Neurofibromatosis, type 1. Last evaluated: 2026-01-13. Review status: criteria provided, single submitter. Criteria: Invitae Variant Classification Sherloc (09022015). Collection method: clinical testing. Allele origin: germline.

Quest Diagnostics Nichols Institute San Juan Capistrano
Classification: Uncertain significance. Last evaluated: 2025-08-08. Review status: criteria provided, single submitter. Criteria: Quest Diagnostics criteria. Collection method: clinical testing. Allele origin: unknown.

Ambry Genetics
Classification: Likely benign for Cardiovascular phenotype; Hereditary cancer-predisposing syndrome. Last evaluated: 2025-01-24. Review status: criteria provided, single submitter. Criteria: Ambry Variant Classification Scheme 2023. Collection method: clinical testing. Allele origin: germline.

Women's Health and Genetics/Laboratory Corporation of America, LabCorp
Classification: Uncertain significance. Last evaluated: 2024-06-07. Review status: criteria provided, single submitter. Criteria: LabCorp Variant Classification Summary - May 2015. Collection method: clinical testing. Allele origin: germline.
Comment: Variant summary: NF1 c.1082G>C (p.Ser361Thr) results in a conservative amino acid change in the encoded protein sequence. Four of five in-silico tools predict a benign effect of the variant on protein function. The variant allele was found at a frequency of 4e-06 in 251280 control chromosomes. The available data on variant occurrences in the general population are insufficient to allow any conclusion about variant significance. c.1082G>C has been reported in the presumed heterozygous state in the literature in at least 1 individual affected with breast cancer (example, Weitzel_2019). These report(s) do not provide unequivocal conclusions about association of the variant with NF1-related conditions. To our knowledge, no experimental evidence demonstrating an impact on protein function has been reported. The following publication has been ascertained in the context of this evaluation (PMID: 31206626). ClinVar contains an entry for this variant (Variation ID: 232969). Based on the evidence outlined above, the variant was classified as uncertain significance.

PreventionGenetics, part of Exact Sciences
Classification: Uncertain significance for NF1-related condition. Last evaluated: 2023-02-22. Review status: criteria provided, single submitter. Criteria: ACMG Guidelines, 2015. Collection method: clinical testing. Allele origin: germline.
Comment: The NF1 c.1082G>C variant is predicted to result in the amino acid substitution p.Ser361Thr. This variant has been reported in one individual with breast cancer (Weitzel et al. 2019. PubMed ID: 31206626. Table S3). This variant is reported in 0.0029% of alleles in individuals of Latino descent in gnomAD. At this time, the clinical significance of this variant is uncertain due to the absence of conclusive functional and genetic evidence.

Sema4
Classification: Uncertain significance for Hereditary cancer-predisposing syndrome. Last evaluated: 2022-02-19. Review status: criteria provided, single submitter. Criteria: Sema4 Curation Guidelines. Collection method: curation. Allele origin: germline.
Comment: The NF1 c.1082G>C (p.S361T) variant has been reported in at least one individual with breast cancer (PMID: 31206626). It was observed in 1/251280 chromosomes in the large and broad cohorts of the Genome Aggregation Database (PMID: 32461654). The variant has been reported in ClinVar (Variation ID 232969). In silico tools suggest the impact of the variant on protein function is benign, though these predictions have not been confirmed by functional studies. The evidence is insufficient to meet ACMG/AMP criteria for classifying the variant as benign or pathogenic. Thus, the clinical significance of this variant is currently uncertain.\

Blueprint Genetics
Classification: Uncertain significance. Last evaluated: 2022-02-12. Review status: criteria provided, single submitter. Criteria: ACMG Guidelines, 2015. Collection method: clinical testing. Allele origin: germline.

GeneDx
Classification: Likely benign. Last evaluated: 2020-10-16. Review status: criteria provided, single submitter. Criteria: GeneDx Variant Classification Process June 2021. Collection method: clinical testing. Allele origin: germline. Affected: yes.
Comment: In silico analysis supports that this missense variant does not alter protein structure/function; Has not been previously published as pathogenic or benign to our knowledge

Ambry Genetics
Classification: Uncertain significance for Hereditary cancer-predisposing syndrome. Last evaluated: 2015-07-17. Review status: criteria provided, single submitter. Criteria: Ambry Autosomal Dominant and X-Linked criteria (10/2015). Collection method: clinical testing. Allele origin: germline. Observed: 1 variant allele.
Comment: The p.S361T variant (also known as c.1082G>C), located in coding exon 10 of the NF1 gene, results from a G to C substitution at nucleotide position 1082. The serine at codon 361 is replaced by threonine, an amino acid with similar properties. This variant was not reported in population based cohorts in the following databases: Database of Single Nucleotide Polymorphisms (dbSNP), NHLBI Exome Sequencing Project (ESP), and 1000 Genomes Project. In the ESP, this variant was not observed in 6502 samples (13004 alleles) with coverage at this position. To date, this alteration has been detected with an allele frequency of approximately 0.002% (greater than 55000alleles tested) in our clinical cohort.This amino acid position is not well conserved in available vertebrate species. In addition, this alteration is predicted to be tolerated by in silico analysis.Since supporting evidence is limited at this time, the clinical significance of P.S361Tremains unclear.

Literature cited by the submitters: PubMed 31206626 (cited by Women's Health and Genetics/Laboratory Corporation of America, LabCorp and Sema4).